The following is an entry in ClinVar:

NM_003000.3(SDHB):c.607G>T (p.Gly203Ter)

Gene: SDHB (succinate dehydrogenase complex iron sulfur subunit B; minus strand). Cytogenetic location: 1p36.13.
Variant type: single nucleotide variant.
Coding change: c.607G>T on transcript NM_003000.3 (MANE Select); coding-DNA position 607, G replaced by T.
Protein change: p.Gly203Ter; replaces glycine 203 with a stop codon.
Molecular consequence: nonsense.
Genome position (GRCh38, 1-based): chr1:17,024,008, C>A on the plus strand (G>T on the coding strand, the complement: SDHB is on the minus strand). VCF-style: chr1-17024008-C-A. GRCh37 (hg19) VCF-style: chr1-17350503-C-A.
Other names: c.553G>T, p.Gly185Ter (NM_001407361.1); short protein forms G203*, G185*.
Identifiers: ClinVar variation 2925290 (VCV002925290.4), dbSNP rs201517260, ClinGen allele CA338271018.

ClinVar aggregate classification (germline): Pathogenic. Review status: criteria provided, multiple submitters, no conflicts (2 of 4 stars). 2 submissions from 2 submitters: Pathogenic (2). Last evaluated 2026-01-29.

Conditions:
Pheochromocytoma. Also called: MAX-Related Hereditary Paraganglioma-Pheochromocytoma Syndrome. Identifiers: Orphanet 29072, MedGen C0031511, MONDO:0008233, OMIM 171300, HP:0002666.
Gastrointestinal stromal tumor. Also called: Gastrointestinal stromal tumor, somatic; Gastrointestinal stroma tumor. Identifiers: Orphanet 44890, MedGen C0238198, MeSH D046152, MONDO:0011719, OMIM 606764, HP:0100723.
Pheochromocytoma/paraganglioma syndrome 4. Also called: CAROTID BODY TUMORS AND MULTIPLE EXTRAADRENAL PHEOCHROMOCYTOMAS; PARAGANGLIOMA, FAMILIAL MALIGNANT; PARAGANGLIOMAS, HEREDITARY EXTRAADRENAL; PHEOCHROMOCYTOMA, FAMILIAL EXTRAADRENAL; Paragangliomas 4; SDHB-Related Hereditary Paraganglioma-Pheochromocytoma Syndrome (Paragangliomas 4). Identifiers: Orphanet 29072, MedGen C1861848, MONDO:0007273, OMIM 115310.
Hereditary cancer-predisposing syndrome. Also called: Neoplastic Syndromes, Hereditary; Hereditary neoplastic syndrome; Tumor predisposition; Hereditary Cancer Syndrome. Identifiers: Orphanet 140162, MedGen C0027672, MeSH D009386, MONDO:0015356.

Submissions (2):

Ambry Genetics
Classification: Pathogenic for Hereditary cancer-predisposing syndrome. Last evaluated: 2026-01-29. Review status: criteria provided, single submitter. Criteria: Ambry Variant Classification Scheme 2023. Collection method: clinical testing. Allele origin: germline.
Comment: The p.G203* pathogenic mutation (also known as c.607G>T), located in coding exon 6 of the SDHB gene, results from a G to T substitution at nucleotide position 607. This changes the amino acid from a glycine to a stop codon within coding exon 6. This variant was reported in individuals with features consistent with SDHB-related hereditary pheochromocytoma-paraganglioma (Pat&oacute;cs A et al. Pathol Oncol Res, 2016 Oct;22:673-9; Ambry internal data). This variant is considered to be rare based on population cohorts in the Genome Aggregation Database (gnomAD). This alteration is expected to result in loss of function by premature protein truncation or nonsense-mediated mRNA decay. As such, this alteration is interpreted as a disease-causing mutation.

Labcorp Genetics (formerly Invitae), Labcorp
Classification: Pathogenic for Gastrointestinal stromal tumor; Pheochromocytoma/paraganglioma syndrome 4; Pheochromocytoma. Last evaluated: 2023-06-04. Review status: criteria provided, single submitter. Criteria: Invitae Variant Classification Sherloc (09022015). Collection method: clinical testing. Allele origin: germline.
Comment: This sequence change creates a premature translational stop signal (p.Gly203*) in the SDHB gene. It is expected to result in an absent or disrupted protein product. Loss-of-function variants in SDHB are known to be pathogenic (PMID: 19454582, 19802898). This variant is not present in population databases (gnomAD no frequency). For these reasons, this variant has been classified as Pathogenic. This premature translational stop signal has been observed in individual(s) with pheochromocytoma syndrome (PMID: 26960314).

Literature cited by the submitters: PubMed 26960314 (cited by Ambry Genetics and Labcorp Genetics (formerly Invitae), Labcorp); PubMed 19454582 (cited by Labcorp Genetics (formerly Invitae), Labcorp); PubMed 19802898 (cited by Labcorp Genetics (formerly Invitae), Labcorp).